The following is an entry in ClinVar:

ClinVar aggregate classification (germline): Pathogenic (1 of 4 stars; one submission).

Conditions:
Congenital myasthenic syndrome 4A. Also called: Myasthenic syndrome, congenital, 4a, slow-channel; CONGENITAL MYASTHENIC SYNDROME TYPE Ia1; MYASTHENIC SYNDROME, CONGENITAL, 4A, SLOW-CHANNEL, AUTOSOMAL RECESSIVE. Identifiers: Orphanet 590, MedGen C4225413, MONDO:0011600, OMIM 605809.

gnomAD v4.1: 2 of 1,613,964 alleles (0.00012%); highest among the groups gnomAD compares: Non-Finnish European, 0.00017%; no homozygotes.

Submission:

Labcorp Genetics (formerly Invitae), Labcorp
Classification: Pathogenic for Congenital myasthenic syndrome 4A. Last evaluated: 2022-11-03. Review status: criteria provided, single submitter. Criteria: Invitae Variant Classification Sherloc (09022015). Collection method: clinical testing. Allele origin: germline.
Comment: For these reasons, this variant has been classified as Pathogenic. Algorithms developed to predict the effect of sequence changes on RNA splicing suggest that this variant may disrupt the consensus splice site. Disruption of this splice site has been observed in individual(s) with autosomal recessive congenital myasthenic syndrome (PMID: 9708546, 31773638). In at least one individual the data is consistent with being in trans (on the opposite chromosome) from a pathogenic variant. It has also been observed to segregate with disease in related individuals. This variant is not present in population databases (gnomAD no frequency). This sequence change affects a donor splice site in intron 7 of the CHRNE gene. It is expected to disrupt RNA splicing. Variants that disrupt the donor or acceptor splice site typically lead to a loss of protein function (PMID: 16199547), and loss-of-function variants in CHRNE are known to be pathogenic (PMID: 22678886).

Literature cited by the submitters: PubMed 9708546; PubMed 31773638; PubMed 16199547; PubMed 22678886.

NM_000080.4(CHRNE):c.802+1G>A

Genes: C17orf107 (chromosome 17 open reading frame 107; plus strand), CHRNE (cholinergic receptor nicotinic epsilon subunit; minus strand). Cytogenetic location: 17p13.2.
Variant type: single nucleotide variant.
Coding change: c.802+1G>A on transcript NM_000080.4 (MANE Select); the canonical splice donor site of the intron after coding-DNA position 802, G replaced by A.
Molecular consequence: splice donor variant. On other transcripts: 3 prime UTR variant (1).
Genome position (GRCh38, 1-based): chr17:4,900,989, C>T on the plus strand (G>A on the coding strand, the complement: CHRNE is on the minus strand). VCF-style: chr17-4900989-C-T. GRCh37 (hg19) VCF-style: chr17-4804284-C-T.
Other names: c.*456C>T (NM_001145536.2).
Identifiers: ClinVar variation 2989845 (VCV002989845.3), dbSNP rs2507554064, ClinGen allele CA397304695.